The following is an entry in ClinVar:

NM_001374353.1(GLI2):c.1658G>C (p.Gly553Ala)

Gene: GLI2 (GLI family zinc finger 2; plus strand). Cytogenetic location: 2q14.2.
Variant type: single nucleotide variant.
Coding change: c.1658G>C on transcript NM_001374353.1 (MANE Select); coding-DNA position 1658, G replaced by C.
Protein change: p.Gly553Ala; replaces glycine 553 with alanine.
Molecular consequence: missense variant.
Genome position (GRCh38, 1-based): chr2:120,984,496, G>C. VCF-style: chr2-120984496-G-C. GRCh37 (hg19) VCF-style: chr2-121742072-G-C.
Other names: c.1709G>C, p.Gly570Ala (NM_005270.5, NM_001371271.1); c.1283G>C, p.Gly428Ala (NM_001374354.1); short protein forms G428A, G553A, G570A.
Identifiers: ClinVar variation 3762477 (VCV003762477.3).

ClinVar aggregate classification (germline): Conflicting classifications of pathogenicity. Review status: criteria provided, conflicting classifications (1 of 4 stars). 2 submissions from 2 submitters: Uncertain significance (1); Likely benign (1). Last evaluated 2026-02-23.

Conditions:
Holoprosencephaly 9 (HPE9). Also called: PITUITARY ANOMALIES WITH HOLOPROSENCEPHALY-LIKE FEATURES; HOLOPROSENCEPHALY WITH MICROPHTHALMIA AND FIRST BRANCHIAL ARCH ANOMALIES. Identifiers: Orphanet 2162, MedGen C1835819, MONDO:0012563, OMIM 610829.
Postaxial polydactyly-anterior pituitary anomalies-facial dysmorphism syndrome. Also called: Culler-Jones syndrome. Identifiers: Orphanet 420584, MedGen C4014479, MONDO:0014369, OMIM 615849.

gnomAD v4.1: 15 of 1,614,044 alleles (0.00093%); highest among the groups gnomAD compares: Middle Eastern, 0.049%; no homozygotes.

Submissions (2):

Centre for Medical Genetics,  Mumbai
Classification: Likely benign for Holoprosencephaly 9. Last evaluated: 2026-02-23. Review status: criteria provided, single submitter. Criteria: ACMG Guidelines, 2015. Collection method: provider interpretation. Allele origin: germline. Inheritance: Autosomal dominant inheritance. Affected: no. Observed: 1 heterozygote.
Comment: The variant satisfies PM2 criteria; extremely low frequency in gnomAD population databases. However, the variant satisfies BS2 criteria; present in heterozygous state in an individual that clinically does not have holoprosencephaly 9.

Labcorp Genetics (formerly Invitae), Labcorp
Classification: Uncertain significance for Postaxial polydactyly-anterior pituitary anomalies-facial dysmorphism syndrome; Holoprosencephaly 9. Last evaluated: 2024-08-05. Review status: criteria provided, single submitter. Criteria: Invitae Variant Classification Sherloc (09022015). Collection method: clinical testing. Allele origin: germline.
Comment: This sequence change replaces glycine, which is neutral and non-polar, with alanine, which is neutral and non-polar, at codon 570 of the GLI2 protein (p.Gly570Ala). This variant is present in population databases (rs765365609, gnomAD 0.004%). This variant has not been reported in the literature in individuals affected with GLI2-related conditions. Advanced modeling of protein sequence and biophysical properties (such as structural, functional, and spatial information, amino acid conservation, physicochemical variation, residue mobility, and thermodynamic stability) performed at Invitae indicates that this missense variant is expected to disrupt GLI2 protein function with a positive predictive value of 80%. In summary, the available evidence is currently insufficient to determine the role of this variant in disease. Therefore, it has been classified as a Variant of Uncertain Significance.

Literature cited by the submitters: PubMed 14581620 (cited by Centre for Medical Genetics,  Mumbai).